The following is an entry in ClinVar:

NM_001845.6(COL4A1):c.3327A>G (p.Gly1109=)

Gene: COL4A1 (collagen type IV alpha 1 chain; minus strand). Cytogenetic location: 13q34.
Variant type: single nucleotide variant.
Coding change: c.3327A>G on transcript NM_001845.6 (MANE Select); coding-DNA position 3327, A replaced by G.
Protein change: p.Gly1109=; no amino-acid change (glycine 1109 retained).
Molecular consequence: synonymous variant.
Genome position (GRCh38, 1-based): chr13:110,174,525, T>C on the plus strand (A>G on the coding strand, the complement: COL4A1 is on the minus strand). VCF-style: chr13-110174525-T-C. GRCh37 (hg19) VCF-style: chr13-110826872-T-C.
Identifiers: ClinVar variation 2726012 (VCV002726012.3), dbSNP rs1181425347, ClinGen allele CA484789339.
Genomic context (GRCh38, chr13:110,174,525, plus strand): 5'-AGGGATGCCATCCAATCCTGGGAGGCCTTTGTCACCTTTTTCTCCAGGTAGCCCAGGACT[T>C]CCTAAAGAAAAAAACAAAACACCAGAACATCCATAAGTTTGGGCTTTTCTTTGATTTCTT-3'
Protein context (NP_001836.3, residues 1099-1119): KGSPGSVGYP[Gly1109=]SPGLPGEKGD

ClinVar aggregate classification (germline): Uncertain significance (1 of 4 stars; one submission).

Allele frequency attached by ClinVar (database versions not stated): gnomAD exomes 0.00001; gnomAD 0.00004; TOPMed 0.00005.

Submission:

Labcorp Genetics (formerly Invitae), Labcorp
Classification: Uncertain significance. Last evaluated: 2023-02-16. Review status: criteria provided, single submitter. Criteria: Invitae Variant Classification Sherloc (09022015). Collection method: clinical testing. Allele origin: germline.
Comment: Algorithms developed to predict the effect of sequence changes on RNA splicing suggest that this variant may disrupt the consensus splice site. In summary, the available evidence is currently insufficient to determine the role of this variant in disease. Therefore, it has been classified as a Variant of Uncertain Significance. This sequence change affects codon 1109 of the COL4A1 mRNA. It is a 'silent' change, meaning that it does not change the encoded amino acid sequence of the COL4A1 protein. This variant is present in population databases (no rsID available, gnomAD 0.01%). This variant has not been reported in the literature in individuals affected with COL4A1-related conditions.